The following is an entry in ClinVar:

NM_001374828.1(ARID1B):c.4205dup (p.Asp1403fs)

Gene: ARID1B (AT-rich interaction domain 1B; plus strand). Cytogenetic location: 6q25.3.
Variant type: Duplication.
Coding change: c.4205dup on transcript NM_001374828.1 (MANE Select); coding-DNA position 4205, one base duplicated (A; older notation c.4205dupA).
Protein change: p.Asp1403fs; shifts the reading frame from aspartic acid 1403.
Molecular consequence: frameshift variant.
Genome position (GRCh38, 1-based): chr6:157,190,184, A duplicated; the last of 2 consecutive A bases (chr6:157,190,183-157,190,184); duplicating either gives the same sequence. VCF-style (leftmost placement, unchanged base first): chr6-157190182-C-CA. GRCh37 (hg19) VCF-style: chr6-157511316-C-CA.
Other names: c.1706dup, p.Asp570fs (NM_001363725.2); c.4085dup, p.Asp1363fs (NM_001371656.1, NM_001374820.1); c.4046dup, p.Asp1350fs (NM_017519.3); short protein forms D1350fs, D1363fs, D1403fs, D570fs.
Identifiers: ClinVar variation 3362375 (VCV003362375.3).

ClinVar aggregate classification (germline): Likely pathogenic (1 of 4 stars; one submission).

Conditions:
Coffin-Siris syndrome 1 (CSS1). Also called: Mental retardation, autosomal dominant 12; ARID1B-Related Coffin-Siris Syndrome. Identifiers: Orphanet 1465, MedGen C3281201, MONDO:0007617, OMIM 135900. Disease mechanism: gain of function.

Submission:

Neuberg Centre For Genomic Medicine, NCGM
Classification: Likely pathogenic for Coffin-Siris syndrome 1. Last evaluated: 2023-05-20. Review status: criteria provided, single submitter. Criteria: ACMG Guidelines, 2015. Collection method: clinical testing. Allele origin: germline. Inheritance: Autosomal dominant inheritance. Affected: yes.
Comment: The observed frameshift variant c.4205dup(p.Asp1403GlyfsTer41) in the ARID1B gene has not been reported previously as a pathogenic variant nor as a benign variant, to our knowledge. This variant is absent in the gnomAD Exomes. This variant causes a frameshift starting with codon Aspartic Acid 1403, changes this amino acid to Glycine residue, and creates a premature Stop codon at position 41 of the new reading frame, denoted p.Asp1403GlyfsTer41. This variant is predicted to cause loss of normal protein function through protein truncation. Loss of function variants have been previously reported to be disease causing (Zweier M, et al., 2017). For these reasons, this variant has been classified as Likely Pathogenic.